The following is an entry in ClinVar:

NM_001330078.2(NRXN1):c.414G>C (p.Val138=)

Gene: NRXN1 (neurexin 1; minus strand). Cytogenetic location: 2p16.3.
Variant type: single nucleotide variant.
Coding change: c.414G>C on transcript NM_001330078.2 (MANE Select); coding-DNA position 414, G replaced by C.
Protein change: p.Val138=; no amino-acid change (valine 138 retained).
Molecular consequence: synonymous variant.
Genome position (GRCh38, 1-based): chr2:51,027,860, C>G on the plus strand (G>C on the coding strand, the complement: NRXN1 is on the minus strand). VCF-style: chr2-51027860-C-G. GRCh37 (hg19) VCF-style: chr2-51254998-C-G.
Other names: c.414G>C, p.Val138= (NM_001135659.3, NM_001330077.2, NM_001330079.2 and 15 more transcripts).
Identifiers: ClinVar variation 3058639 (VCV003058639.2), dbSNP rs962050724, ClinGen allele CA48054908.

ClinVar aggregate classification (germline): Likely benign (0 of 4 stars; one submission).

Conditions:
NRXN1-related disorder.

Allele frequency attached by ClinVar (database versions not stated): gnomAD 0.00001; gnomAD exomes 0.00001; TOPMed 0.00002.
gnomAD v4.1: 16 of 1,612,972 alleles (0.00099%); highest among the groups gnomAD compares: Non-Finnish European, 0.0011%; no homozygotes.

Submission:

PreventionGenetics, part of Exact Sciences
Classification: Likely benign for NRXN1-related condition. Last evaluated: 2019-03-08. Review status: no assertion criteria provided. Collection method: clinical testing. Allele origin: germline.
Comment: This variant is classified as likely benign based on ACMG/AMP sequence variant interpretation guidelines (Richards et al. 2015 PMID: 25741868, with internal and published modifications).